The following is an entry in ClinVar:

NM_000465.4(BARD1):c.1242G>A (p.Met414Ile)

Gene: BARD1 (BRCA1 associated RING domain 1; minus strand). Cytogenetic location: 2q35.
Variant type: single nucleotide variant.
Coding change: c.1242G>A on transcript NM_000465.4 (MANE Select); coding-DNA position 1242, G replaced by A.
Protein change: p.Met414Ile; replaces methionine 414 with isoleucine.
Molecular consequence: missense variant. On other transcripts: non-coding transcript variant (2), intron variant (3).
Genome position (GRCh38, 1-based): chr2:214,780,632, C>T on the plus strand (G>A on the coding strand, the complement: BARD1 is on the minus strand). VCF-style: chr2-214780632-C-T. GRCh37 (hg19) VCF-style: chr2-215645356-C-T.
Other names: c.1185G>A, p.Met395Ile (NM_001282543.2); c.159-28077G>A (NM_001282548.2); c.215+16429G>A (NM_001282545.2); c.364+11665G>A (NM_001282549.2); short protein forms M414I, M395I.
Identifiers: ClinVar variation 530190 (VCV000530190.14), dbSNP rs1553622143, ClinGen allele CA350453588.

ClinVar aggregate classification (germline): Uncertain significance. Review status: criteria provided, multiple submitters, no conflicts (2 of 4 stars). 4 submissions from 4 submitters: Uncertain significance (4). Last evaluated 2025-01-06.

Conditions:
Familial cancer of breast. Also called: BREAST CANCER, FAMILIAL; Hereditary breast cancer; hereditary breast carcinoma. Identifiers: Orphanet 227535, MedGen C0346153, MONDO:0016419, OMIM 114480. Disease mechanism: loss of function.
Hereditary cancer-predisposing syndrome. Also called: Hereditary neoplastic syndrome; Neoplastic Syndromes, Hereditary; Hereditary Cancer Syndrome; Tumor predisposition. Identifiers: Orphanet 140162, MedGen C0027672, MeSH D009386, MONDO:0015356.

Submissions (4):

Women's Health and Genetics/Laboratory Corporation of America, LabCorp
Classification: Uncertain significance. Last evaluated: 2025-01-06. Review status: criteria provided, single submitter. Criteria: LabCorp Variant Classification Summary - May 2015. Collection method: clinical testing. Allele origin: germline.
Comment: Variant summary: BARD1 c.1242G>A (p.Met414Ile) results in a conservative amino acid change in the encoded protein sequence. Five of five in-silico tools predict a benign effect of the variant on protein function. The variant was absent in 250948 control chromosomes. The available data on variant occurrences in the general population are insufficient to allow any conclusion about variant significance. c.1242G>A has been reported in the literature in an individual undergoing genetic testing for Lynch syndrome (Yurgelun_2015), as well as controls (Okawa_2023). These report(s) do not provide unequivocal conclusions about association of the variant with Hereditary Breast And Ovarian Cancer Syndrome. To our knowledge, no experimental evidence demonstrating an impact on protein function has been reported. The following publications have been ascertained in the context of this evaluation (PMID: 36243179, 25980754). ClinVar contains an entry for this variant (Variation ID: 530190). Based on the evidence outlined above, the variant was classified as uncertain significance.

Labcorp Genetics (formerly Invitae), Labcorp
Classification: Uncertain significance for Familial cancer of breast. Last evaluated: 2024-04-15. Review status: criteria provided, single submitter. Criteria: Invitae Variant Classification Sherloc (09022015). Collection method: clinical testing. Allele origin: germline.
Comment: This sequence change replaces methionine, which is neutral and non-polar, with isoleucine, which is neutral and non-polar, at codon 414 of the BARD1 protein (p.Met414Ile). This variant is not present in population databases (gnomAD no frequency). This variant has not been reported in the literature in individuals affected with BARD1-related conditions. ClinVar contains an entry for this variant (Variation ID: 530190). An algorithm developed to predict the effect of missense changes on protein structure and function (PolyPhen-2) suggests that this variant is likely to be tolerated. In summary, the available evidence is currently insufficient to determine the role of this variant in disease. Therefore, it has been classified as a Variant of Uncertain Significance.

Baylor Genetics
Classification: Uncertain significance for Familial cancer of breast. Last evaluated: 2023-07-25. Review status: criteria provided, single submitter. Criteria: ACMG Guidelines, 2015. Collection method: clinical testing. Allele origin: unknown.

Ambry Genetics
Classification: Uncertain significance for Hereditary cancer-predisposing syndrome. Last evaluated: 2021-09-27. Review status: criteria provided, single submitter. Criteria: Ambry Variant Classification Scheme 2023. Collection method: clinical testing. Allele origin: germline.
Comment: The p.M414I variant (also known as c.1242G>A), located in coding exon 4 of the BARD1 gene, results from a G to A substitution at nucleotide position 1242. The methionine at codon 414 is replaced by isoleucine, an amino acid with highly similar properties. This amino acid position is poorly conserved in available vertebrate species. In addition, this alteration is predicted to be tolerated by in silico analysis. Since supporting evidence is limited at this time, the clinical significance of this alteration remains unclear.

Literature cited by the submitters: PubMed 25980754 (cited by Women's Health and Genetics/Laboratory Corporation of America, LabCorp); PubMed 36243179 (cited by Women's Health and Genetics/Laboratory Corporation of America, LabCorp).